The following is an entry in ClinVar:

NM_000478.6(ALPL):c.1155T>G (p.Phe385Leu)

Gene: ALPL (alkaline phosphatase, biomineralization associated; plus strand). Cytogenetic location: 1p36.12.
Variant type: single nucleotide variant.
Coding change: c.1155T>G on transcript NM_000478.6 (MANE Select); coding-DNA position 1155, T replaced by G.
Protein change: p.Phe385Leu; replaces phenylalanine 385 with leucine.
Molecular consequence: missense variant.
Genome position (GRCh38, 1-based): chr1:21,575,890, T>G. VCF-style: chr1-21575890-T-G. GRCh37 (hg19) VCF-style: chr1-21902383-T-G.
Other names: c.990T>G, p.Phe330Leu (NM_001127501.4); c.924T>G, p.Phe308Leu (NM_001177520.3); c.1155T>G, p.Phe385Leu (NM_001369803.2, NM_001369804.2, NM_001369805.2); short protein forms F308L, F330L, F385L.
Identifiers: ClinVar variation 4799871 (VCV004799871.1).
Genomic context (GRCh38, chr1:21,575,890, plus strand): 5'-GACCTCCTCGGAAGACACTCTGACCGTGGTCACTGCGGACCATTCCCACGTCTTCACATT[T>G]GGTGGATACACCCCCCGTGGCAACTCTATCTTTGGTAGGTGGGCCTTCTTTGGGGTGGAC-3'
Protein context (NP_000469.3, residues 375-395): VTADHSHVFT[Phe385Leu]GGYTPRGNSI

ClinVar aggregate classification (germline): Uncertain significance (1 of 4 stars; one submission).

Submission:

Labcorp Genetics (formerly Invitae), Labcorp
Classification: Uncertain significance. Last evaluated: 2025-08-14. Review status: criteria provided, single submitter. Criteria: Invitae Variant Classification Sherloc (09022015). Collection method: clinical testing. Allele origin: germline.
Comment: This sequence change replaces phenylalanine, which is neutral and non-polar, with leucine, which is neutral and non-polar, at codon 385 of the ALPL protein (p.Phe385Leu). This variant is not present in population databases (gnomAD no frequency). This variant has not been reported in the literature in individuals affected with ALPL-related conditions. Invitae Evidence Modeling of protein sequence and biophysical properties (such as structural, functional, and spatial information, amino acid conservation, physicochemical variation, residue mobility, and thermodynamic stability) indicates that this missense variant is expected to disrupt ALPL protein function with a positive predictive value of 95%. In summary, the available evidence is currently insufficient to determine the role of this variant in disease. Therefore, it has been classified as a Variant of Uncertain Significance.